The following is an entry in ClinVar:

ClinVar aggregate classification (germline): Uncertain significance. Review status: criteria provided, multiple submitters, no conflicts (2 of 4 stars). 2 submissions from 2 submitters: Uncertain significance (2). Last evaluated 2026-05-29.

gnomAD v4.1: 23 of 1,612,432 alleles (0.0014%); highest among the groups gnomAD compares: Non-Finnish European, 0.0019%; no homozygotes.

Submissions (2):

Women's Health and Genetics/Laboratory Corporation of America, LabCorp
Classification: Uncertain significance. Last evaluated: 2026-05-29. Review status: criteria provided, single submitter. Criteria: LabCorp Variant Classification Summary - May 2015. Collection method: clinical testing. Allele origin: germline.
Comment: Variant summary: B4GALT7 c.623A>G (p.Lys208Arg) results in a conservative amino acid change in the encoded protein sequence. Algorithms developed to predict the effect of missense changes on protein structure and function are either unavailable or do not agree on the potential impact of this missense change. The variant allele was found at a frequency of 1.6e-05 in 249696 control chromosomes. The available data on variant occurrences in the general population are insufficient to allow any conclusion about variant significance. To our knowledge, no occurrence of c.623A>G in individuals affected with B4GALT7-related conditions and no experimental evidence demonstrating its impact on protein function have been reported. ClinVar contains an entry for this variant (Variation ID: 4541094). Based on the evidence outlined above, the variant was classified as uncertain significance.

Mayo Clinic Laboratories, Mayo Clinic
Classification: Uncertain significance. Last evaluated: 2025-11-13. Review status: criteria provided, single submitter. Criteria: ACMG Guidelines, 2015. Collection method: clinical testing. Allele origin: germline. Observed: 1 variant allele.
Comment: BP4_moderate

NM_007255.3(B4GALT7):c.623A>G (p.Lys208Arg)

Gene: B4GALT7 (beta-1,4-galactosyltransferase 7; plus strand). Cytogenetic location: 5q35.3.
Variant type: single nucleotide variant.
Coding change: c.623A>G on transcript NM_007255.3 (MANE Select); coding-DNA position 623, A replaced by G.
Protein change: p.Lys208Arg; replaces lysine 208 with arginine.
Molecular consequence: missense variant.
Genome position (GRCh38, 1-based): chr5:177,607,511, A>G. VCF-style: chr5-177607511-A-G. GRCh37 (hg19) VCF-style: chr5-177034512-A-G.
Other names: p.Lys208Arg; short protein forms K208R.
Identifiers: ClinVar variation 4541094 (VCV004541094.2).